The following is an entry in ClinVar:

NM_001134363.3(RBM20):c.2146C>T (p.Arg716Trp)

Gene: RBM20 (RNA binding motif protein 20; plus strand). Cytogenetic location: 10q25.2.
Variant type: single nucleotide variant.
Coding change: c.2146C>T on transcript NM_001134363.3 (MANE Select); coding-DNA position 2146, C replaced by T.
Protein change: p.Arg716Trp; replaces arginine 716 with tryptophan.
Molecular consequence: missense variant.
Genome position (GRCh38, 1-based): chr10:110,812,543, C>T. VCF-style: chr10-110812543-C-T. GRCh37 (hg19) VCF-style: chr10-112572301-C-T.
Other names: c.2146C>T (NM_001134363.1); short protein forms R716W.
Identifiers: ClinVar variation 845681 (VCV000845681.11), dbSNP rs1405564573, ClinGen allele CA378372218.
Genomic context (GRCh38, chr10:110,812,543, plus strand): 5'-AACGGAGATGACAAGAGGGACAGGATGGACCCCTGGGCACATGATCGCAAACACCACCCC[C>T]GGCAACTGGACAAGGCTGAGTTGGACGAGCGACCAGAAGGAGGGAGGCCCCACCGGGAGA-3'
Protein context (NP_001127835.2, residues 706-726): PWAHDRKHHP[Arg716Trp]QLDKAELDER

ClinVar aggregate classification (germline): Conflicting classifications of pathogenicity. Review status: criteria provided, conflicting classifications (1 of 4 stars). 2 submissions from 2 submitters: Uncertain significance (1); Likely benign (1). Last evaluated 2025-05-13.

Conditions:
Cardiovascular phenotype. Identifiers: MedGen CN230736.
Dilated cardiomyopathy 1DD (CMD1DD). Identifiers: Orphanet 154, MedGen C2750995, MONDO:0013168, OMIM 613172.

Allele frequency attached by ClinVar (database versions not stated): TOPMed below 0.00001; gnomAD 0.00001; gnomAD exomes 0.00001.

Submissions (2):

Labcorp Genetics (formerly Invitae), Labcorp
Classification: Likely benign for Dilated cardiomyopathy 1DD. Last evaluated: 2025-05-13. Review status: criteria provided, single submitter. Criteria: Invitae Variant Classification Sherloc (09022015). Collection method: clinical testing. Allele origin: germline.

Ambry Genetics
Classification: Uncertain significance for Cardiovascular phenotype. Last evaluated: 2025-04-30. Review status: criteria provided, single submitter. Criteria: Ambry Variant Classification Scheme 2023. Collection method: clinical testing. Allele origin: germline.
Comment: The p.R716W variant (also known as c.2146C>T), located in coding exon 9 of the RBM20 gene, results from a C to T substitution at nucleotide position 2146. The arginine at codon 716 is replaced by tryptophan, an amino acid with dissimilar properties. This amino acid position is conserved. In addition, this alteration is predicted to be tolerated by in silico analysis. Based on the available evidence, the clinical significance of this variant remains unclear.